The following is an entry in ClinVar:

ClinVar aggregate classification (germline): Uncertain significance (1 of 4 stars; one submission).

Allele frequency attached by ClinVar (database versions not stated): TOPMed 0.00002; gnomAD 0.00001.
gnomAD v4.1: 2 of 1,614,030 alleles (0.00012%); highest among the groups gnomAD compares: African/African-American, 0.0027%; no homozygotes.

Submission:

Labcorp Genetics (formerly Invitae), Labcorp
Classification: Uncertain significance. Last evaluated: 2025-10-10. Review status: criteria provided, single submitter. Criteria: Invitae Variant Classification Sherloc (09022015). Collection method: clinical testing. Allele origin: germline.
Comment: This sequence change replaces aspartic acid, which is acidic and polar, with asparagine, which is neutral and polar, at codon 329 of the FBLN5 protein (p.Asp329Asn). This variant is not present in population databases (gnomAD no frequency). This variant has not been reported in the literature in individuals affected with FBLN5-related conditions. ClinVar contains an entry for this variant (Variation ID: 1357726). Invitae Evidence Modeling of protein sequence and biophysical properties (such as structural, functional, and spatial information, amino acid conservation, physicochemical variation, residue mobility, and thermodynamic stability) indicates that this missense variant is not expected to disrupt FBLN5 protein function with a negative predictive value of 80%. In summary, the available evidence is currently insufficient to determine the role of this variant in disease. Therefore, it has been classified as a Variant of Uncertain Significance.

NM_006329.4(FBLN5):c.985G>A (p.Asp329Asn)

Gene: FBLN5 (fibulin 5; minus strand). Cytogenetic location: 14q32.12.
Variant type: single nucleotide variant.
Coding change: c.985G>A on transcript NM_006329.4 (MANE Select); coding-DNA position 985, G replaced by A.
Protein change: p.Asp329Asn; replaces aspartic acid 329 with asparagine.
Molecular consequence: missense variant.
Genome position (GRCh38, 1-based): chr14:91,881,296, C>T on the plus strand (G>A on the coding strand, the complement: FBLN5 is on the minus strand). VCF-style: chr14-91881296-C-T. GRCh37 (hg19) VCF-style: chr14-92347640-C-T.
Other names: c.1108G>A, p.Asp370Asn (NM_001384158.1); c.1036G>A, p.Asp346Asn (NM_001384159.1); c.985G>A, p.Asp329Asn (NM_001384160.1); c.817G>A, p.Asp273Asn (NM_001384161.1, NM_001384162.1); short protein forms D273N, D370N, D346N, D329N.
Identifiers: ClinVar variation 1357726 (VCV001357726.6), dbSNP rs910375623, ClinGen allele CA390641800.
Genomic context (GRCh38, chr14:91,881,296, plus strand): 5'-CTCCTGAGCCAGGCCCTCATCAGGTTTCTATTCCCCAGGGGGACGCCGTGACTTACTTAT[C>T]ACTGATCCTCAGATAAGGCTCCTCACAGCGGATGGGGTCAATGCATTTGAAGCCCCCTTG-3'
Protein context (NP_006320.2, residues 319-339): RCEEPYLRIS[Asp329Asn]NRCMCPAENP